The following is an entry in ClinVar:

NM_032043.3(BRIP1):c.344C>T (p.Pro115Leu)

Gene: BRIP1 (BRCA1 interacting DNA helicase 1; minus strand). Cytogenetic location: 17q23.2.
Variant type: single nucleotide variant.
Coding change: c.344C>T on transcript NM_032043.3 (MANE Select); coding-DNA position 344, C replaced by T.
Protein change: p.Pro115Leu; replaces proline 115 with leucine.
Molecular consequence: missense variant.
Genome position (GRCh38, 1-based): chr17:61,857,093, G>A on the plus strand (C>T on the coding strand, the complement: BRIP1 is on the minus strand). VCF-style: chr17-61857093-G-A. GRCh37 (hg19) VCF-style: chr17-59934454-G-A.
Other names: short protein forms P115L.
Identifiers: ClinVar variation 479458 (VCV000479458.10), dbSNP rs1555617800, ClinGen allele CA400485327.

ClinVar aggregate classification (germline): Uncertain significance. Review status: criteria provided, multiple submitters, no conflicts (2 of 4 stars). 3 submissions from 3 submitters: Uncertain significance (3). Last evaluated 2025-12-03.

Conditions:
Hereditary cancer-predisposing syndrome. Also called: Tumor predisposition; Neoplastic Syndromes, Hereditary; Hereditary Cancer Syndrome; Hereditary neoplastic syndrome. Identifiers: Orphanet 140162, MedGen C0027672, MeSH D009386, MONDO:0015356.
Fanconi anemia complementation group J. Also called: BRIP1-Related Fanconi Anemia. Identifiers: Orphanet 84, MedGen C1836860, MONDO:0012187, OMIM 609054.
Familial cancer of breast. Also called: BREAST CANCER, FAMILIAL; Hereditary breast cancer; hereditary breast carcinoma. Identifiers: Orphanet 227535, MedGen C0346153, MONDO:0016419, OMIM 114480. Disease mechanism: loss of function.

Submissions (3):

Ambry Genetics
Classification: Uncertain significance for Hereditary cancer-predisposing syndrome. Last evaluated: 2025-12-03. Review status: criteria provided, single submitter. Criteria: Ambry Variant Classification Scheme 2023. Collection method: clinical testing. Allele origin: germline.
Comment: The p.P115L variant (also known as c.344C>T), located in coding exon 3 of the BRIP1 gene, results from a C to T substitution at nucleotide position 344. The proline at codon 115 is replaced by leucine, an amino acid with similar properties. This amino acid position is poorly conserved in available vertebrate species. In addition, this alteration is predicted to be tolerated by in silico analysis. Since supporting evidence is limited at this time, the clinical significance of this alteration remains unclear.

Color Diagnostics, LLC DBA Color Health
Classification: Uncertain significance for Hereditary cancer-predisposing syndrome. Last evaluated: 2022-05-16. Review status: criteria provided, single submitter. Criteria: ACMG Guidelines, 2015. Collection method: clinical testing. Allele origin: germline.
Comment: This missense variant replaces proline with leucine at codon 115 of the BRIP1 protein. Computational prediction suggests that this variant may not impact protein structure and function (internally defined REVEL score threshold <= 0.5, PMID: 27666373). To our knowledge, functional studies have not been reported for this variant. This variant has not been reported in individuals affected with hereditary cancer in the literature. This variant has not been identified in the general population by the Genome Aggregation Database (gnomAD). The available evidence is insufficient to determine the role of this variant in disease conclusively. Therefore, this variant is classified as a Variant of Uncertain Significance.

Labcorp Genetics (formerly Invitae), Labcorp
Classification: Uncertain significance for Familial cancer of breast; Fanconi anemia complementation group J. Last evaluated: 2021-11-05. Review status: criteria provided, single submitter. Criteria: Invitae Variant Classification Sherloc (09022015). Collection method: clinical testing. Allele origin: germline.
Comment: This sequence change replaces proline, which is neutral and non-polar, with leucine, which is neutral and non-polar, at codon 115 of the BRIP1 protein (p.Pro115Leu). This variant is not present in population databases (gnomAD no frequency). This variant has not been reported in the literature in individuals affected with BRIP1-related conditions. ClinVar contains an entry for this variant (Variation ID: 479458). Algorithms developed to predict the effect of missense changes on protein structure and function (SIFT, PolyPhen-2, Align-GVGD) all suggest that this variant is likely to be tolerated. In summary, the available evidence is currently insufficient to determine the role of this variant in disease. Therefore, it has been classified as a Variant of Uncertain Significance.